The following is an entry in ClinVar:

NM_001457.4(FLNB):c.2569A>G (p.Lys857Glu)

Genes: FLNB (filamin B; plus strand), LOC129936935 (ATAC-STARR-seq lymphoblastoid active region 19999; plus strand). Cytogenetic location: 3p14.3.
Variant type: single nucleotide variant.
Coding change: c.2569A>G on transcript NM_001457.4 (MANE Select); coding-DNA position 2569, A replaced by G.
Protein change: p.Lys857Glu; replaces lysine 857 with glutamic acid.
Molecular consequence: missense variant.
Genome position (GRCh38, 1-based): chr3:58,111,875, A>G. VCF-style: chr3-58111875-A-G. GRCh37 (hg19) VCF-style: chr3-58097602-A-G.
Other names: c.2569A>G, p.Lys857Glu (NM_001164317.2, NM_001164318.2, NM_001164319.2); short protein forms K857E.
Identifiers: ClinVar variation 1712022 (VCV001712022.2), dbSNP rs2471091728, ClinGen allele CA353345712.
Genomic context (GRCh38, chr3:58,111,875, plus strand): 5'-GTCAAAGTTGACCCTTCCCACGATGCCAGCAAAGTGAAGGCAGAAGGCCCAGGGCTCAGC[A>G]AAGCAGGTAAGATGGCACGTCTAGGTTGTCCTGGGCCCCTCTGCCAGCCGGTGGCACTGG-3'
Protein context (NP_001448.2, residues 847-867): KVKAEGPGLS[Lys857Glu]AGVENGKPTH

ClinVar aggregate classification (germline): Uncertain significance (1 of 4 stars; one submission).

Submission:

GeneDx
Classification: Uncertain significance. Last evaluated: 2022-04-21. Review status: criteria provided, single submitter. Criteria: GeneDx Variant Classification Process June 2021. Collection method: clinical testing. Allele origin: germline. Affected: yes.
Comment: Not observed at significant frequency in large population cohorts (gnomAD); In silico analysis supports that this missense variant does not alter protein structure/function; Has not been previously published as pathogenic or benign to our knowledge